The following is an entry in ClinVar:

ClinVar aggregate classification (germline): Uncertain significance (1 of 4 stars; one submission).

Submission:

Ambry Genetics
Classification: Uncertain significance. Last evaluated: 2022-04-03. Review status: criteria provided, single submitter. Criteria: Ambry Variant Classification Scheme 2023. Collection method: clinical testing. Allele origin: germline.
Comment: The p.E2583V variant (also known as c.7748A>T), located in coding exon 57 of the PRKDC gene, results from an A to T substitution at nucleotide position 7748. The glutamic acid at codon 2583 is replaced by valine, an amino acid with dissimilar properties. This amino acid position is conserved. In addition, the in silico prediction for this alteration is inconclusive. Since supporting evidence is limited at this time, the clinical significance of this alteration remains unclear.

NM_006904.7(PRKDC):c.7748A>T (p.Glu2583Val)

Gene: PRKDC (protein kinase, DNA-activated, catalytic subunit; minus strand). Cytogenetic location: 8q11.21.
Variant type: single nucleotide variant.
Coding change: c.7748A>T on transcript NM_006904.7 (MANE Select); coding-DNA position 7748, A replaced by T.
Protein change: p.Glu2583Val; replaces glutamic acid 2583 with valine.
Molecular consequence: missense variant.
Genome position (GRCh38, 1-based): chr8:47,837,225, T>A on the plus strand (A>T on the coding strand, the complement: PRKDC is on the minus strand). VCF-style: chr8-47837225-T-A. GRCh37 (hg19) VCF-style: chr8-48749786-T-A.
Other names: c.7748A>T, p.Glu2583Val (NM_001081640.2); short protein forms E2583V.
Identifiers: ClinVar variation 1760421 (VCV001760421.2), dbSNP rs1197524828, ClinGen allele CA371152389.